The following is an entry in ClinVar:

NM_001164688.2(RD3):c.30C>T (p.Asn10=)

Gene: RD3 (RD3 regulator of GUCY2D; minus strand). Cytogenetic location: 1q32.3.
Variant type: single nucleotide variant.
Coding change: c.30C>T on transcript NM_001164688.2 (MANE Select); coding-DNA position 30, C replaced by T.
Protein change: p.Asn10=; no amino-acid change (asparagine 10 retained).
Molecular consequence: synonymous variant.
Genome position (GRCh38, 1-based): chr1:211,481,386, G>A on the plus strand (C>T on the coding strand, the complement: RD3 is on the minus strand). VCF-style: chr1-211481386-G-A. GRCh37 (hg19) VCF-style: chr1-211654728-G-A.
Other names: c.30C>T, p.Asn10= (NM_183059.3); c.30C>T (NM_183059.2).
Identifiers: ClinVar variation 1531286 (VCV001531286.10), dbSNP rs774563819, ClinGen allele CA1381175.

ClinVar aggregate classification (germline): Likely benign. Review status: criteria provided, single submitter (1 of 4 stars). 2 submissions from 2 submitters: Likely benign (1). 1 of the submissions does not count toward it. Last evaluated 2023-07-12.

Conditions:
Leber congenital amaurosis 12 (LCA12). Identifiers: Orphanet 65, MedGen C1857743, MONDO:0012525, OMIM 610612.
RD3-related disorder. Also called: RD3-related condition.

Allele frequency attached by ClinVar (database versions not stated): gnomAD 0.00001 and 0.00002; ExAC 0.00003; gnomAD exomes 0.00004.
gnomAD v4.1: 26 of 1,613,242 alleles (0.0016%); highest among the groups gnomAD compares: Admixed American, 0.0033%; no homozygotes.

Submissions (2):

Labcorp Genetics (formerly Invitae), Labcorp
Classification: Likely benign for Leber congenital amaurosis 12. Last evaluated: 2023-07-12. Review status: criteria provided, single submitter. Criteria: Invitae Variant Classification Sherloc (09022015). Collection method: clinical testing. Allele origin: germline.

PreventionGenetics, part of Exact Sciences
Classification: Likely benign for RD3-related condition. Last evaluated: 2019-05-07. Review status: no assertion criteria provided. Collection method: clinical testing. Allele origin: germline. Not counted in ClinVar's aggregate classification.
Comment: This variant is classified as likely benign based on ACMG/AMP sequence variant interpretation guidelines (Richards et al. 2015 PMID: 25741868, with internal and published modifications).